The following is an entry in ClinVar:

ClinVar aggregate classification (germline): Uncertain significance. Review status: criteria provided, multiple submitters, no conflicts (2 of 4 stars). 8 submissions from 8 submitters: Uncertain significance (8). Last evaluated 2025-09-18.

Conditions:
Inborn genetic diseases. Identifiers: MedGen C0950123, MeSH D030342.
Microcephaly 5, primary, autosomal recessive (MCPH5). Also called: ASPM Primary Microcephaly. Identifiers: Orphanet 2512, MedGen C1837501, MONDO:0012106, OMIM 608716.

Allele frequency attached by ClinVar (database versions not stated): gnomAD 0.00009 and 0.00011; ExAC 0.00010; gnomAD exomes 0.00010 and 0.00015; TOPMed 0.00010; ESP Exome Variant Server 0.00023.
gnomAD v4.1: 231 of 1,612,466 alleles (0.014%); highest among the groups gnomAD compares: Non-Finnish European, 0.018%; no homozygotes.

Submissions (8):

Labcorp Genetics (formerly Invitae), Labcorp
Classification: Uncertain significance. Last evaluated: 2025-09-18. Review status: criteria provided, single submitter. Criteria: Invitae Variant Classification Sherloc (09022015). Collection method: clinical testing. Allele origin: germline.
Comment: This sequence change replaces asparagine, which is neutral and polar, with isoleucine, which is neutral and non-polar, at codon 2092 of the ASPM protein (p.Asn2092Ile). This variant is present in population databases (rs144574871, gnomAD 0.02%). This variant has not been reported in the literature in individuals affected with ASPM-related conditions. ClinVar contains an entry for this variant (Variation ID: 234256). Invitae Evidence Modeling of protein sequence and biophysical properties (such as structural, functional, and spatial information, amino acid conservation, physicochemical variation, residue mobility, and thermodynamic stability) indicates that this missense variant is not expected to disrupt ASPM protein function with a negative predictive value of 80%. In summary, the available evidence is currently insufficient to determine the role of this variant in disease. Therefore, it has been classified as a Variant of Uncertain Significance.

CeGaT Center for Human Genetics Tuebingen
Classification: Uncertain significance. Last evaluated: 2023-09-01. Review status: criteria provided, single submitter. Criteria: CeGaT Center For Human Genetics Tuebingen Variant Classification Criteria Version 2. Collection method: clinical testing. Allele origin: germline. Affected: yes. Observed: 1 variant allele.
Comment: ASPM: PM2, BP4

Genome-Nilou Lab
Classification: Uncertain significance for Microcephaly 5, primary, autosomal recessive. Last evaluated: 2023-04-11. Review status: criteria provided, single submitter. Criteria: ACMG Guidelines, 2015. Collection method: clinical testing. Allele origin: germline. Affected: no.

Ambry Genetics
Classification: Uncertain significance for Inborn genetic diseases. Last evaluated: 2021-01-11. Review status: criteria provided, single submitter. Criteria: Ambry Variant Classification Scheme 2023. Collection method: clinical testing. Allele origin: germline.
Comment: The c.6275A>T (p.N2092I) alteration is located in exon 18 (coding exon 18) of the ASPM gene. This alteration results from a A to T substitution at nucleotide position 6275, causing the asparagine (N) at amino acid position 2092 to be replaced by an isoleucine (I). The p.N2092I alteration is predicted to be tolerated by in silico analysis. Based on insufficient or conflicting evidence, the clinical significance of this alteration remains unclear.

Fulgent Genetics
Classification: Uncertain significance for Microcephaly 5, primary, autosomal recessive. Last evaluated: 2018-10-31. Review status: criteria provided, single submitter. Criteria: ACMG Guidelines, 2015. Collection method: clinical testing. Allele origin: unknown.

Athena Diagnostics
Classification: Uncertain significance. Last evaluated: 2018-04-25. Review status: criteria provided, single submitter. Criteria: Athena Diagnostics Criteria. Collection method: clinical testing. Allele origin: germline.

Illumina Laboratory Services, Illumina
Classification: Uncertain significance for Microcephaly 5, primary, autosomal recessive. Last evaluated: 2018-01-12. Review status: criteria provided, single submitter. Criteria: ICSL Variant Classification Criteria 13 December 2019. Collection method: clinical testing. Allele origin: germline.

GeneDx
Classification: Uncertain significance. Last evaluated: 2015-03-02. Review status: criteria provided, single submitter. Criteria: GeneDx Variant Classification (06012015). Collection method: clinical testing. Allele origin: germline. Affected: yes.
Comment: The N2092I variant has not been published as a mutation, nor has it been reported as a benign polymorphism to our knowledge. The N2092I variant was not observed with any significant frequency in approximately 6,500 individuals of European and African American ancestry in the NHLBI Exome Sequencing Project. The N2092I variant is a non-conservative amino acid substitution, which is likely to impact secondary protein structure as these residues differ in polarity, charge, size and/or other properties. However, this substitution occurs at a position that is not conserved across species, and Isoleucine is observed at this position in evolution. In silico analysis predicts this variant likely does not alter the protein structure/function. Therefore, based on the currently available information, it is unclear whether this variant is a pathogenic mutation or a rare benign variant.

NM_018136.5(ASPM):c.6275A>T (p.Asn2092Ile)

Gene: ASPM (assembly factor for spindle microtubules; minus strand). Cytogenetic location: 1q31.3.
Variant type: single nucleotide variant.
Coding change: c.6275A>T on transcript NM_018136.5 (MANE Select); coding-DNA position 6275, A replaced by T.
Protein change: p.Asn2092Ile; replaces asparagine 2092 with isoleucine.
Molecular consequence: missense variant. On other transcripts: intron variant (1).
Genome position (GRCh38, 1-based): chr1:197,102,976, T>A on the plus strand (A>T on the coding strand, the complement: ASPM is on the minus strand). VCF-style: chr1-197102976-T-A. GRCh37 (hg19) VCF-style: chr1-197072106-T-A.
Other names: c.4066-6812A>T (NM_001206846.2); short protein forms N2092I.
Identifiers: ClinVar variation 234256 (VCV000234256.36), dbSNP rs144574871, ClinGen allele CA1309610.